The following is an entry in ClinVar:

NM_001048174.2(MUTYH):c.238A>G (p.Lys80Glu)

Gene: MUTYH (mutY DNA glycosylase; minus strand). Cytogenetic location: 1p34.1.
Variant type: single nucleotide variant.
Coding change: c.238A>G on transcript NM_001048174.2 (MANE Select); coding-DNA position 238, A replaced by G.
Protein change: p.Lys80Glu; replaces lysine 80 with glutamic acid.
Molecular consequence: missense variant. On other transcripts: 5 prime UTR variant (4), non-coding transcript variant (2).
Genome position (GRCh38, 1-based): chr1:45,333,439, T>C on the plus strand (A>G on the coding strand, the complement: MUTYH is on the minus strand). VCF-style: chr1-45333439-T-C. GRCh37 (hg19) VCF-style: chr1-45799111-T-C.
Other names: c.238A>G, p.Lys80Glu (NM_001048171.2, NM_001048173.2, NM_001293195.2); c.241A>G, p.Lys81Glu (NM_001048172.2); c.322A>G, p.Lys108Glu (NM_001128425.2); c.283A>G, p.Lys95Glu (NM_001293190.2); c.271A>G, p.Lys91Glu (NM_001293191.2); c.-39A>G (NM_001293192.2, NM_001293196.2); c.-34A>G (NM_001350650.2, NM_001350651.2); c.313A>G, p.Lys105Glu (NM_012222.3); short protein forms K108E, K80E, K105E, K81E, K91E, K95E.
Identifiers: ClinVar variation 229857 (VCV000229857.15), dbSNP rs876658237, ClinGen allele CA10577744.

ClinVar aggregate classification (germline): Uncertain significance. Review status: criteria provided, multiple submitters, no conflicts (2 of 4 stars). 3 submissions from 3 submitters: Uncertain significance (3). Last evaluated 2026-01-12.

Conditions:
Hereditary cancer-predisposing syndrome. Also called: Tumor predisposition; Hereditary Cancer Syndrome; Neoplastic Syndromes, Hereditary; Hereditary neoplastic syndrome. Identifiers: Orphanet 140162, MedGen C0027672, MeSH D009386, MONDO:0015356.
Familial adenomatous polyposis 2. Also called: MYH-associated polyposis; FAP type 2; ADENOMAS, MULTIPLE COLORECTAL, AUTOSOMAL RECESSIVE; MUTYH Polyposis; MUTYH-associated polyposis; MUTYH-related attenuated familial adenomatous polyposis. Identifiers: Orphanet 220460, Orphanet 247798, MedGen C3272841, MONDO:0012041, OMIM 608456.

Allele frequency attached by ClinVar (database versions not stated): gnomAD exomes below 0.00001.
gnomAD v4.1: 7 of 1,614,222 alleles (0.00043%); highest among the groups gnomAD compares: Non-Finnish European, 0.00034%; no homozygotes.

Submissions (3):

Labcorp Genetics (formerly Invitae), Labcorp
Classification: Uncertain significance for Familial adenomatous polyposis 2. Last evaluated: 2026-01-12. Review status: criteria provided, single submitter. Criteria: Invitae Variant Classification Sherloc (09022015). Collection method: clinical testing. Allele origin: germline.
Comment: This sequence change replaces lysine, which is basic and polar, with glutamic acid, which is acidic and polar, at codon 108 of the MUTYH protein (p.Lys108Glu). This variant is not present in population databases (gnomAD no frequency). This missense change has been observed in individual(s) with Lynch syndrome (PMID: 25980754). ClinVar contains an entry for this variant (Variation ID: 229857). An algorithm developed to predict the effect of missense changes on protein structure and function (PolyPhen-2) suggests that this variant is likely to be disruptive. In summary, the available evidence is currently insufficient to determine the role of this variant in disease. Therefore, it has been classified as a Variant of Uncertain Significance.

Ambry Genetics
Classification: Uncertain significance for Hereditary cancer-predisposing syndrome. Last evaluated: 2024-11-16. Review status: criteria provided, single submitter. Criteria: Ambry Variant Classification Scheme 2023. Collection method: clinical testing. Allele origin: germline.
Comment: The p.K108E variant (also known as c.322A>G), located in coding exon 3 of the MUTYH gene, results from an A to G substitution at nucleotide position 322. The lysine at codon 108 is replaced by glutamic acid, an amino acid with similar properties. This amino acid position is well conserved in available vertebrate species. In addition, this alteration is predicted to be deleterious by in silico analysis. Since supporting evidence is limited at this time, the clinical significance of this alteration remains unclear.

Color Diagnostics, LLC DBA Color Health
Classification: Uncertain significance for Hereditary cancer-predisposing syndrome. Last evaluated: 2019-06-30. Review status: criteria provided, single submitter. Criteria: ACMG Guidelines, 2015. Collection method: clinical testing. Allele origin: germline.

Literature cited by the submitters: PubMed 25980754 (cited by Labcorp Genetics (formerly Invitae), Labcorp).